The following is an entry in ClinVar:

NM_000094.4(COL7A1):c.485G>C (p.Arg162Thr)

Gene: COL7A1 (collagen type VII alpha 1 chain; minus strand). Cytogenetic location: 3p21.31.
Variant type: single nucleotide variant.
Coding change: c.485G>C on transcript NM_000094.4 (MANE Select); coding-DNA position 485, G replaced by C.
Protein change: p.Arg162Thr; replaces arginine 162 with threonine.
Molecular consequence: missense variant.
Genome position (GRCh38, 1-based): chr3:48,593,391, C>G on the plus strand (G>C on the coding strand, the complement: COL7A1 is on the minus strand). VCF-style: chr3-48593391-C-G. GRCh37 (hg19) VCF-style: chr3-48630824-C-G.
Other names: short protein forms R162T.
Identifiers: ClinVar variation 1960986 (VCV001960986.2), dbSNP rs759204970, ClinGen allele CA2381535.
Genomic context (GRCh38, chr3:48,593,391, plus strand): 5'-CCTGTCACTCCTGCTCGGTCCTTACCCACAGCAAATAGCTTGACCCCCTGCCCCTTCAGC[C>G]TTTGGGCAGCTGTGTCCACCAGGTCCTGGGACTTCCCGTCTGTGATCAGGATGCAGACCT-3'
Protein context (NP_000085.1, residues 152-172): SQDLVDTAAQ[Arg162Thr]LKGQGVKLFA

ClinVar aggregate classification (germline): Uncertain significance (1 of 4 stars; one submission).

Allele frequency attached by ClinVar (database versions not stated): ExAC 0.00001; gnomAD exomes 0.00001.

Submission:

Labcorp Genetics (formerly Invitae), Labcorp
Classification: Uncertain significance. Last evaluated: 2021-07-21. Review status: criteria provided, single submitter. Criteria: Invitae Variant Classification Sherloc (09022015). Collection method: clinical testing. Allele origin: germline.
Comment: This sequence change replaces arginine with threonine at codon 162 of the COL7A1 protein (p.Arg162Thr). The arginine residue is weakly conserved and there is a moderate physicochemical difference between arginine and threonine. This variant is present in population databases (rs759204970, ExAC 0.006%). This variant has not been reported in the literature in individuals affected with COL7A1-related conditions. Advanced modeling of protein sequence and biophysical properties (such as structural, functional, and spatial information, amino acid conservation, physicochemical variation, residue mobility, and thermodynamic stability) performed at Invitae indicates that this missense variant is not expected to disrupt COL7A1 protein function. In summary, the available evidence is currently insufficient to determine the role of this variant in disease. Therefore, it has been classified as a Variant of Uncertain Significance.